The following is an entry in ClinVar:

NM_024652.6(LRRK1):c.5691dup (p.Met1898fs)

Genes: LRRK1 (leucine rich repeat kinase 1; plus strand), LRRK1-AS1 (LRRK1 antisense RNA 1; minus strand). Cytogenetic location: 15q26.3.
Variant type: Duplication.
Coding change: c.5691dup on transcript NM_024652.6 (MANE Select); coding-DNA position 5691, one base duplicated (C; older notation c.5691dupC).
Protein change: p.Met1898fs; shifts the reading frame from methionine 1898.
Molecular consequence: frameshift variant.
Genome position (GRCh38, 1-based): chr15:101,066,128, C duplicated; the last of 5 consecutive C bases (chr15:101,066,124-101,066,128); duplicating any one gives the same sequence. VCF-style (leftmost placement, unchanged base first): chr15-101066123-A-AC. GRCh37 (hg19) VCF-style: chr15-101606328-A-AC.
Other names: short protein forms M1898fs.
Identifiers: ClinVar variation 4699125 (VCV004699125.1).

ClinVar aggregate classification (germline): Uncertain significance (1 of 4 stars; one submission).

Submission:

Labcorp Genetics (formerly Invitae), Labcorp
Classification: Uncertain significance. Last evaluated: 2025-03-28. Review status: criteria provided, single submitter. Criteria: Invitae Variant Classification Sherloc (09022015). Collection method: clinical testing. Allele origin: germline.
Comment: This sequence change creates a premature translational stop signal (p.Met1898Hisfs*78) in the LRRK1 gene. While this is not anticipated to result in nonsense mediated decay, it is expected to disrupt the last 118 amino acid(s) of the LRRK1 protein. This variant is not present in population databases (gnomAD no frequency). This variant has not been reported in the literature in individuals affected with LRRK1-related conditions. Experimental studies and prediction algorithms are not available or were not evaluated, and the functional significance of this variant is currently unknown. In summary, the available evidence is currently insufficient to determine the role of this variant in disease. Therefore, it has been classified as a Variant of Uncertain Significance.